The following is an entry in ClinVar:

NM_152492.3(CCDC27):c.930G>A (p.Glu310=)

Gene: CCDC27 (coiled-coil domain containing 27; plus strand). Cytogenetic location: 1p36.32.
Variant type: single nucleotide variant.
Coding change: c.930G>A on transcript NM_152492.3 (MANE Select); coding-DNA position 930, G replaced by A.
Protein change: p.Glu310=; no amino-acid change (glutamic acid 310 retained).
Molecular consequence: synonymous variant.
Genome position (GRCh38, 1-based): chr1:3,762,688, G>A. VCF-style: chr1-3762688-G-A. GRCh37 (hg19) VCF-style: chr1-3679252-G-A.
Identifiers: ClinVar variation 2638105 (VCV002638105.24), dbSNP rs139134726, ClinGen allele CA550226.
Genomic context (GRCh38, chr1:3,762,688, plus strand): 5'-CTCAGACGCTTCGCTGAAGCTGGGCAGGCTGAGCCTCCTGAAGGCCTTCTCCAGACATGA[G>A]GAGGAGCTGCAGCACTGGTGGCAGGTGCGGGCCGCCTGGAGAGCAGGCACGCAGTGGGGG-3'
Protein context (NP_689705.2, residues 300-320): LSLLKAFSRH[Glu310=]EELQHWWQMQ

ClinVar aggregate classification (germline): Likely benign (1 of 4 stars; one submission).

Allele frequency attached by ClinVar (database versions not stated): ExAC 0.00015; 1000 Genomes Project 0.00020; 1000 Genomes Project 30x 0.00031; gnomAD 0.00034; TOPMed 0.00043.
gnomAD v4.1: 717 of 1,549,524 alleles (0.046%); highest among the groups gnomAD compares: Admixed American, 0.057%; 3 homozygotes.

Submission:

CeGaT Center for Human Genetics Tuebingen
Classification: Likely benign. Last evaluated: 2022-07-01. Review status: criteria provided, single submitter. Criteria: CeGaT Center For Human Genetics Tuebingen Variant Classification Criteria Version 2. Collection method: clinical testing. Allele origin: germline. Affected: yes. Observed: 1 variant allele.
Comment: CCDC27: BP4, BP7